The following is an entry in ClinVar:

NM_000057.4(BLM):c.2925A>T (p.Gln975His)

Gene: BLM (BLM RecQ like helicase; plus strand). Cytogenetic location: 15q26.1.
Variant type: single nucleotide variant.
Coding change: c.2925A>T on transcript NM_000057.4 (MANE Select); coding-DNA position 2925, A replaced by T.
Protein change: p.Gln975His; replaces glutamine 975 with histidine.
Molecular consequence: missense variant.
Genome position (GRCh38, 1-based): chr15:90,790,750, A>T. VCF-style: chr15-90790750-A-T. GRCh37 (hg19) VCF-style: chr15-91333980-A-T.
Other names: c.2925A>T, p.Gln975His (NM_001287246.2, NM_001287247.2); c.1800A>T, p.Gln600His (NM_001287248.2); short protein forms Q600H, Q975H.
Identifiers: ClinVar variation 2482128 (VCV002482128.6), dbSNP rs2505516552, ClinGen allele CA393846430.

ClinVar aggregate classification (germline): Uncertain significance. Review status: criteria provided, multiple submitters, no conflicts (2 of 4 stars). 2 submissions from 2 submitters: Uncertain significance (2). Last evaluated 2025-05-27.

Conditions:
Hereditary cancer-predisposing syndrome. Also called: Neoplastic Syndromes, Hereditary; Hereditary neoplastic syndrome; Tumor predisposition; Hereditary Cancer Syndrome. Identifiers: Orphanet 140162, MedGen C0027672, MeSH D009386, MONDO:0015356.
Bloom syndrome (BLM). Also called: Bloom-Torre-Machacek syndrome. Identifiers: Orphanet 125, MedGen C0005859, MONDO:0008876, OMIM 210900.

gnomAD v4.1: 1 of 1,614,188 alleles (0.000062%); highest among the groups gnomAD compares: African/African-American, 0.0013%; no homozygotes.

Submissions (2):

Ambry Genetics
Classification: Uncertain significance for Hereditary cancer-predisposing syndrome. Last evaluated: 2025-05-27. Review status: criteria provided, single submitter. Criteria: Ambry Variant Classification Scheme 2023. Collection method: clinical testing. Allele origin: germline.
Comment: The p.Q975H variant (also known as c.2925A>T), located in coding exon 14 of the BLM gene, results from an A to T substitution at nucleotide position 2925. The glutamine at codon 975 is replaced by histidine, an amino acid with highly similar properties. This amino acid position is conserved. In addition, this alteration is predicted to be deleterious by in silico analysis. Since supporting evidence is limited at this time, the clinical significance of this alteration remains unclear.

Labcorp Genetics (formerly Invitae), Labcorp
Classification: Uncertain significance for Bloom syndrome. Last evaluated: 2024-08-19. Review status: criteria provided, single submitter. Criteria: Invitae Variant Classification Sherloc (09022015). Collection method: clinical testing. Allele origin: germline.
Comment: This sequence change replaces glutamine, which is neutral and polar, with histidine, which is basic and polar, at codon 975 of the BLM protein (p.Gln975His). This variant is not present in population databases (gnomAD no frequency). This variant has not been reported in the literature in individuals affected with BLM-related conditions. ClinVar contains an entry for this variant (Variation ID: 2482128). Invitae Evidence Modeling of protein sequence and biophysical properties (such as structural, functional, and spatial information, amino acid conservation, physicochemical variation, residue mobility, and thermodynamic stability) indicates that this missense variant is expected to disrupt BLM protein function with a positive predictive value of 80%. In summary, the available evidence is currently insufficient to determine the role of this variant in disease. Therefore, it has been classified as a Variant of Uncertain Significance.